The following is an entry in ClinVar:

NM_004247.4(EFTUD2):c.1746C>G (p.Phe582Leu)

Gene: EFTUD2 (elongation factor Tu GTP binding domain containing 2; minus strand). Cytogenetic location: 17q21.31.
Variant type: single nucleotide variant.
Coding change: c.1746C>G on transcript NM_004247.4 (MANE Select); coding-DNA position 1746, C replaced by G.
Protein change: p.Phe582Leu; replaces phenylalanine 582 with leucine.
Molecular consequence: missense variant.
Genome position (GRCh38, 1-based): chr17:44,860,019, G>C on the plus strand (C>G on the coding strand, the complement: EFTUD2 is on the minus strand). VCF-style: chr17-44860019-G-C. GRCh37 (hg19) VCF-style: chr17-42937387-G-C.
Other names: c.1641C>G, p.Phe547Leu (NM_001142605.2); c.1746C>G, p.Phe582Leu (NM_001258353.2); c.1716C>G, p.Phe572Leu (NM_001258354.2); short protein forms F582L, F572L, F547L.
Identifiers: ClinVar variation 3681972 (VCV003681972.2).

ClinVar aggregate classification (germline): Uncertain significance (1 of 4 stars; one submission).

Submission:

Labcorp Genetics (formerly Invitae), Labcorp
Classification: Uncertain significance. Last evaluated: 2024-05-27. Review status: criteria provided, single submitter. Criteria: Invitae Variant Classification Sherloc (09022015). Collection method: clinical testing. Allele origin: germline.
Comment: This sequence change replaces phenylalanine, which is neutral and non-polar, with leucine, which is neutral and non-polar, at codon 582 of the EFTUD2 protein (p.Phe582Leu). This variant is not present in population databases (gnomAD no frequency). This variant has not been reported in the literature in individuals affected with EFTUD2-related conditions. Advanced modeling of protein sequence and biophysical properties (such as structural, functional, and spatial information, amino acid conservation, physicochemical variation, residue mobility, and thermodynamic stability) performed at Invitae indicates that this missense variant is not expected to disrupt EFTUD2 protein function with a negative predictive value of 80%. In summary, the available evidence is currently insufficient to determine the role of this variant in disease. Therefore, it has been classified as a Variant of Uncertain Significance.